The following is an entry in ClinVar:

ClinVar aggregate classification (germline): Uncertain significance (1 of 4 stars; one submission).

Submission:

Labcorp Genetics (formerly Invitae), Labcorp
Classification: Uncertain significance. Last evaluated: 2025-03-18. Review status: criteria provided, single submitter. Criteria: Invitae Variant Classification Sherloc (09022015). Collection method: clinical testing. Allele origin: germline.
Comment: This sequence change replaces alanine, which is neutral and non-polar, with serine, which is neutral and polar, at codon 273 of the WNT5A protein (p.Ala273Ser). This variant is not present in population databases (gnomAD no frequency). This variant has not been reported in the literature in individuals affected with WNT5A-related conditions. Invitae Evidence Modeling of protein sequence and biophysical properties (such as structural, functional, and spatial information, amino acid conservation, physicochemical variation, residue mobility, and thermodynamic stability) indicates that this missense variant is not expected to disrupt WNT5A protein function with a negative predictive value of 80%. In summary, the available evidence is currently insufficient to determine the role of this variant in disease. Therefore, it has been classified as a Variant of Uncertain Significance.

NM_003392.7(WNT5A):c.817G>T (p.Ala273Ser)

Gene: WNT5A (Wnt family member 5A; minus strand). Cytogenetic location: 3p14.3.
Variant type: single nucleotide variant.
Coding change: c.817G>T on transcript NM_003392.7 (MANE Select); coding-DNA position 817, G replaced by T.
Protein change: p.Ala273Ser; replaces alanine 273 with serine.
Molecular consequence: missense variant.
Genome position (GRCh38, 1-based): chr3:55,470,418, C>A on the plus strand (G>T on the coding strand, the complement: WNT5A is on the minus strand). VCF-style: chr3-55470418-C-A. GRCh37 (hg19) VCF-style: chr3-55504446-C-A.
Other names: c.772G>T, p.Ala258Ser (NM_001256105.1, NM_001377271.1, NM_001377272.1); short protein forms A273S, A258S.
Identifiers: ClinVar variation 4774501 (VCV004774501.1).